The following is an entry in ClinVar:

ClinVar aggregate classification (germline): Uncertain significance (1 of 4 stars; one submission).

gnomAD v4.1: 10 of 1,579,152 alleles (0.00063%); highest among the groups gnomAD compares: Non-Finnish European, 0.00069%; no homozygotes.

Submission:

Labcorp Genetics (formerly Invitae), Labcorp
Classification: Uncertain significance. Last evaluated: 2024-03-01. Review status: criteria provided, single submitter. Criteria: Invitae Variant Classification Sherloc (09022015). Collection method: clinical testing. Allele origin: germline.
Comment: This sequence change replaces phenylalanine, which is neutral and non-polar, with leucine, which is neutral and non-polar, at codon 40 of the GPI protein (p.Phe40Leu). The frequency data for this variant in the population databases is considered unreliable, as metrics indicate poor data quality at this position in the gnomAD database. This variant has not been reported in the literature in individuals affected with GPI-related conditions. Advanced modeling of protein sequence and biophysical properties (such as structural, functional, and spatial information, amino acid conservation, physicochemical variation, residue mobility, and thermodynamic stability) performed at Invitae indicates that this missense variant is not expected to disrupt GPI protein function with a negative predictive value of 80%. In summary, the available evidence is currently insufficient to determine the role of this variant in disease. Therefore, it has been classified as a Variant of Uncertain Significance.

NM_000175.5(GPI):c.120C>A (p.Phe40Leu)

Gene: GPI (glucose-6-phosphate isomerase; plus strand). Cytogenetic location: 19q13.11.
Variant type: single nucleotide variant.
Coding change: c.120C>A on transcript NM_000175.5 (MANE Select); coding-DNA position 120, C replaced by A.
Protein change: p.Phe40Leu; replaces phenylalanine 40 with leucine.
Molecular consequence: missense variant.
Genome position (GRCh38, 1-based): chr19:34,365,386, C>A. VCF-style: chr19-34365386-C-A. GRCh37 (hg19) VCF-style: chr19-34856291-C-A.
Other names: c.237C>A, p.Phe79Leu (NM_001184722.1, NM_001289789.1); c.120C>A, p.Phe40Leu (NM_001289790.3, NM_001329909.1, NM_001329910.1 and 1 more transcripts); short protein forms F40L, F79L.
Identifiers: ClinVar variation 3616372 (VCV003616372.2).